The following is an entry in ClinVar:

NM_006015.6(ARID1A):c.373G>A (p.Gly125Ser)

Gene: ARID1A (AT-rich interaction domain 1A; plus strand). Cytogenetic location: 1p36.11.
Variant type: single nucleotide variant.
Coding change: c.373G>A on transcript NM_006015.6 (MANE Select); coding-DNA position 373, G replaced by A.
Protein change: p.Gly125Ser; replaces glycine 125 with serine.
Molecular consequence: missense variant.
Genome position (GRCh38, 1-based): chr1:26,696,776, G>A. VCF-style: chr1-26696776-G-A. GRCh37 (hg19) VCF-style: chr1-27023267-G-A.
Other names: c.373G>A, p.Gly125Ser (NM_139135.4); short protein forms G125S.
Identifiers: ClinVar variation 1272255 (VCV001272255.12), dbSNP rs536658556, ClinGen allele CA706586.
Genomic context (GRCh38, chr1:26,696,776, plus strand): 5'-GGGAACGCGGGCCCTAGGCCCGCCCTGAACAATAACCTCACGGAGCCGCCCGGCGGCGGC[G>A]GTGGCGGCAGCAGCGATGGGGTGGGGGCGCCTCCTCACTCAGCCGCGGCCGCCTTGCCGC-3'
Protein context (NP_006006.3, residues 115-135): NNLTEPPGGG[Gly125Ser]GGSSDGVGAP

ClinVar aggregate classification (germline): Benign. Review status: criteria provided, multiple submitters, no conflicts (2 of 4 stars). 4 submissions from 4 submitters: Benign (3). 1 of the submissions does not count toward it. Last evaluated 2025-10-16.

Conditions:
ARID1A-related disorder. Also called: ARID1A-related condition.
Intellectual disability, autosomal dominant 14 (CSS2). Also called: COFFIN-SIRIS SYNDROME 2. Identifiers: Orphanet 1465, MedGen C3553247, MONDO:0013819, OMIM 614607.

Allele frequency attached by ClinVar (database versions not stated): gnomAD exomes 0.00008; 1000 Genomes Project 0.00060; gnomAD 0.00071 and 0.00076; TOPMed 0.00071; 1000 Genomes Project 30x 0.00078.
gnomAD v4.1: 194 of 1,341,814 alleles (0.014%); highest among the groups gnomAD compares: African/African-American, 0.28%; 1 homozygote.

Submissions (4):

Labcorp Genetics (formerly Invitae), Labcorp
Classification: Benign. Last evaluated: 2025-10-16. Review status: criteria provided, single submitter. Criteria: Invitae Variant Classification Sherloc (09022015). Collection method: clinical testing. Allele origin: germline.

Genome-Nilou Lab
Classification: Benign for Intellectual disability, autosomal dominant 14. Last evaluated: 2021-12-05. Review status: criteria provided, single submitter. Criteria: ACMG Guidelines, 2015. Collection method: clinical testing. Allele origin: germline. Affected: no.

GeneDx
Classification: Benign. Last evaluated: 2020-01-27. Review status: criteria provided, single submitter. Criteria: GeneDx Variant Classification Process June 2021. Collection method: clinical testing. Allele origin: germline. Affected: yes.

PreventionGenetics, part of Exact Sciences
Classification: Likely benign for ARID1A-related condition. Last evaluated: 2021-10-14. Review status: no assertion criteria provided. Collection method: clinical testing. Allele origin: germline. Not counted in ClinVar's aggregate classification.
Comment: This variant is classified as likely benign based on ACMG/AMP sequence variant interpretation guidelines (Richards et al. 2015 PMID: 25741868, with internal and published modifications).